The following is an entry in ClinVar:

NM_052854.4(CREB3L1):c.1334T>C (p.Met445Thr)

Gene: CREB3L1 (cAMP responsive element binding protein 3 like 1; plus strand). Cytogenetic location: 11p11.2.
Variant type: single nucleotide variant.
Coding change: c.1334T>C on transcript NM_052854.4 (MANE Select); coding-DNA position 1334, T replaced by C.
Protein change: p.Met445Thr; replaces methionine 445 with threonine.
Molecular consequence: missense variant.
Genome position (GRCh38, 1-based): chr11:46,320,339, T>C. VCF-style: chr11-46320339-T-C. GRCh37 (hg19) VCF-style: chr11-46341890-T-C.
Other names: c.1334T>C (NM_052854.2); short protein forms M445T.
Identifiers: ClinVar variation 2172536 (VCV002172536.3), dbSNP rs367810523, ClinGen allele CA5961860.

ClinVar aggregate classification (germline): Uncertain significance. Review status: criteria provided, multiple submitters, no conflicts (2 of 4 stars). 2 submissions from 2 submitters: Uncertain significance (2). Last evaluated 2025-04-10.

Conditions:
Inborn genetic diseases. Identifiers: MedGen C0950123, MeSH D030342.

Allele frequency attached by ClinVar (database versions not stated): gnomAD exomes 0.00003; gnomAD 0.00001; ExAC 0.00005; ESP Exome Variant Server 0.00008; TOPMed 0.00002.
gnomAD v4.1: 38 of 1,612,640 alleles (0.0024%); highest among the groups gnomAD compares: African/African-American, 0.004%; no homozygotes.

Submissions (2):

Ambry Genetics
Classification: Uncertain significance for Inborn genetic diseases. Last evaluated: 2025-04-10. Review status: criteria provided, single submitter. Criteria: Ambry Variant Classification Scheme 2023. Collection method: clinical testing. Allele origin: germline.

Labcorp Genetics (formerly Invitae), Labcorp
Classification: Uncertain significance. Last evaluated: 2022-04-08. Review status: criteria provided, single submitter. Criteria: Invitae Variant Classification Sherloc (09022015). Collection method: clinical testing. Allele origin: germline.
Comment: This sequence change replaces methionine, which is neutral and non-polar, with threonine, which is neutral and polar, at codon 445 of the CREB3L1 protein (p.Met445Thr). This variant is present in population databases (rs367810523, gnomAD 0.01%). This variant has not been reported in the literature in individuals affected with CREB3L1-related conditions. Algorithms developed to predict the effect of missense changes on protein structure and function (SIFT, PolyPhen-2, Align-GVGD) all suggest that this variant is likely to be tolerated. In summary, the available evidence is currently insufficient to determine the role of this variant in disease. Therefore, it has been classified as a Variant of Uncertain Significance.